The following is an entry in ClinVar:

NM_000143.4(FH):c.763G>T (p.Val255Leu)

Gene: FH (fumarate hydratase; minus strand). Cytogenetic location: 1q43.
Variant type: single nucleotide variant.
Coding change: c.763G>T on transcript NM_000143.4 (MANE Select); coding-DNA position 763, G replaced by T.
Protein change: p.Val255Leu; replaces valine 255 with leucine.
Molecular consequence: missense variant.
Genome position (GRCh38, 1-based): chr1:241,506,144, C>A on the plus strand (G>T on the coding strand, the complement: FH is on the minus strand). VCF-style: chr1-241506144-C-A. GRCh37 (hg19) VCF-style: chr1-241669444-C-A.
Other names: short protein forms V255L.
Identifiers: ClinVar variation 2866886 (VCV002866886.4), dbSNP rs752144845, ClinGen allele CA345439074.

ClinVar aggregate classification (germline): Uncertain significance. Review status: criteria provided, multiple submitters, no conflicts (2 of 4 stars). 2 submissions from 2 submitters: Uncertain significance (2). Last evaluated 2024-10-14.

Conditions:
Hereditary cancer-predisposing syndrome. Also called: Neoplastic Syndromes, Hereditary; Hereditary Cancer Syndrome; Hereditary neoplastic syndrome; Tumor predisposition. Identifiers: Orphanet 140162, MedGen C0027672, MeSH D009386, MONDO:0015356.

Submissions (2):

Ambry Genetics
Classification: Uncertain significance for Hereditary cancer-predisposing syndrome. Last evaluated: 2024-10-14. Review status: criteria provided, single submitter. Criteria: Ambry Variant Classification Scheme 2023. Collection method: clinical testing. Allele origin: germline.
Comment: The p.V255L variant (also known as c.763G>T), located in coding exon 6 of the FH gene, results from a G to T substitution at nucleotide position 763. The valine at codon 255 is replaced by leucine, an amino acid with highly similar properties. This amino acid position is conserved. In addition, the in silico prediction for this alteration is inconclusive. Based on the available evidence, the clinical significance of this variant remains unclear.

Labcorp Genetics (formerly Invitae), Labcorp
Classification: Uncertain significance. Last evaluated: 2023-05-22. Review status: criteria provided, single submitter. Criteria: Invitae Variant Classification Sherloc (09022015). Collection method: clinical testing. Allele origin: germline.
Comment: In summary, the available evidence is currently insufficient to determine the role of this variant in disease. Therefore, it has been classified as a Variant of Uncertain Significance. Advanced modeling of protein sequence and biophysical properties (such as structural, functional, and spatial information, amino acid conservation, physicochemical variation, residue mobility, and thermodynamic stability) performed at Invitae indicates that this missense variant is not expected to disrupt FH protein function. This variant has not been reported in the literature in individuals affected with FH-related conditions. This variant is not present in population databases (gnomAD no frequency). This sequence change replaces valine, which is neutral and non-polar, with leucine, which is neutral and non-polar, at codon 255 of the FH protein (p.Val255Leu).